The following is an entry in ClinVar:

ClinVar aggregate classification (germline): Uncertain significance (1 of 4 stars; one submission).

Conditions:
Inborn genetic diseases. Identifiers: MedGen C0950123, MeSH D030342.

Allele frequency attached by ClinVar (database versions not stated): ExAC 0.00001; gnomAD 0.00001; gnomAD exomes 0.00001; TOPMed 0.00002.
gnomAD v4.1: 5 of 1,613,658 alleles (0.00031%); highest among the groups gnomAD compares: South Asian, 0.0011%; no homozygotes.

Submission:

Ambry Genetics
Classification: Uncertain significance for Inborn genetic diseases. Last evaluated: 2021-10-12. Review status: criteria provided, single submitter. Criteria: Ambry Variant Classification Scheme 2023. Collection method: clinical testing. Allele origin: germline.
Comment: The p.Y1428C variant (also known as c.4283A>G), located in coding exon 31 of the DST gene, results from an A to G substitution at nucleotide position 4283. The tyrosine at codon 1428 is replaced by cysteine, an amino acid with highly dissimilar properties. This amino acid position is not well conserved in available vertebrate species. In addition, this alteration is predicted to be tolerated by in silico analysis. Since supporting evidence is limited at this time, the clinical significance of this alteration remains unclear.

NM_001374736.1(DST):c.4382A>G (p.Tyr1461Cys)

Gene: DST (dystonin; minus strand). Cytogenetic location: 6p12.1.
Variant type: single nucleotide variant.
Coding change: c.4382A>G on transcript NM_001374736.1 (MANE Select); coding-DNA position 4382, A replaced by G.
Protein change: p.Tyr1461Cys; replaces tyrosine 1461 with cysteine.
Molecular consequence: missense variant.
Genome position (GRCh38, 1-based): chr6:56,629,343, T>C on the plus strand (A>G on the coding strand, the complement: DST is on the minus strand). VCF-style: chr6-56629343-T-C. GRCh37 (hg19) VCF-style: chr6-56494141-T-C.
Other names: c.4283A>G, p.Tyr1428Cys (NM_001144769.5); c.3869A>G, p.Tyr1290Cys (NM_001144770.2); c.4382A>G, p.Tyr1461Cys (NM_001374722.1); c.3749A>G, p.Tyr1250Cys (NM_001374729.1, NM_001374730.1, NM_001386100.1 and 1 more transcripts); c.4409A>G, p.Tyr1470Cys (NM_001374734.1); c.2771A>G, p.Tyr924Cys (NM_001723.7, NM_015548.5); short protein forms Y1428C, Y1470C, Y1290C, Y1250C, Y1461C, Y924C.
Identifiers: ClinVar variation 1739363 (VCV001739363.2), dbSNP rs752803106, ClinGen allele CA3870915.